The following is an entry in ClinVar:

NM_022051.3(EGLN1):c.181_210del (p.Ser61_Gly70del)

Gene: EGLN1 (egl-9 family hypoxia inducible factor 1; minus strand). Cytogenetic location: 1q42.2.
Variant type: Deletion.
Coding change: c.181_210del on transcript NM_022051.3 (MANE Select); coding-DNA positions 181 to 210, 30 bases deleted (AGCGAGGGCGCCCTCGGCCACGGAGTGGGC).
Protein change: p.Ser61_Gly70del.
Molecular consequence: inframe deletion.
Genome position (GRCh38, 1-based): chr1:231,421,679-231,421,708, GCCCACTCCGTGGCCGAGGGCGCCCTCGCT deleted on the plus strand (AGCGAGGGCGCCCTCGGCCACGGAGTGGGC on the coding strand, the reverse complement: EGLN1 is on the minus strand); deleting any 30 consecutive bases within chr1:231,421,679-231,421,712 gives the same sequence; the c. name uses the placement nearest the transcript's 3' end. VCF-style (leftmost placement, unchanged base first): chr1-231421678-GGCCCACTCCGTGGCCGAGGGCGCCCTCGCT-G. GRCh37 (hg19) VCF-style: chr1-231557424-GGCCCACTCCGTGGCCGAGGGCGCCCTCGCT-G.
Other names: c.181_210del30 (NM_022051.2); c.181_210del, p.Ser61_Gly70del (NM_001377260.1, NM_001377261.1).
Identifiers: ClinVar variation 3609648 (VCV003609648.3).

ClinVar aggregate classification (germline): Uncertain significance. Review status: criteria provided, multiple submitters, no conflicts (2 of 4 stars). 2 submissions from 2 submitters: Uncertain significance (2). Last evaluated 2025-11-27.

Conditions:
Erythrocytosis, familial, 3 (ECYT3). Identifiers: Orphanet 247511, MedGen C1853286, MONDO:0012353, OMIM 609820.

Submissions (2):

Labcorp Genetics (formerly Invitae), Labcorp
Classification: Uncertain significance for Erythrocytosis, familial, 3. Last evaluated: 2025-11-27. Review status: criteria provided, single submitter. Criteria: Invitae Variant Classification Sherloc (09022015). Collection method: clinical testing. Allele origin: germline.
Comment: This variant, c.181_210del, results in the deletion of 10 amino acid(s) of the EGLN1 protein (p.Ser61_Gly70del), but otherwise preserves the integrity of the reading frame. This variant is present in population databases (no rsID available, gnomAD 0.003%). This variant has not been reported in the literature in individuals affected with EGLN1-related conditions. ClinVar contains an entry for this variant (Variation ID: 3609648). Experimental studies and prediction algorithms are not available or were not evaluated, and the functional significance of this variant is currently unknown. In summary, the available evidence is currently insufficient to determine the role of this variant in disease. Therefore, it has been classified as a Variant of Uncertain Significance.

Ambry Genetics
Classification: Uncertain significance. Last evaluated: 2025-07-17. Review status: criteria provided, single submitter. Criteria: Ambry Variant Classification Scheme 2023. Collection method: clinical testing. Allele origin: germline.
Comment: The c.181_210del30 variant (also known as p.S61_G70del) is located in coding exon 1 of the EGLN1 gene. This variant results from an in-frame AGCGAGGGCGCCCTCGGCCACGGAGTGGGC deletion at nucleotide positions 181 to 210. This results in the in-frame deletion of amino acids at codons 61 to 70. This amino acid region is not well conserved in available vertebrate species. The evidence for this gene-disease relationship is limited; therefore, the clinical significance of this alteration is unclear.